The following is an entry in ClinVar:

NM_000482.4(APOA4):c.505C>T (p.Arg169Trp)

Gene: APOA4 (apolipoprotein A4; minus strand). Cytogenetic location: 11q23.3.
Variant type: single nucleotide variant.
Coding change: c.505C>T on transcript NM_000482.4 (MANE Select); coding-DNA position 505, C replaced by T.
Protein change: p.Arg169Trp; replaces arginine 169 with tryptophan.
Molecular consequence: missense variant.
Genome position (GRCh38, 1-based): chr11:116,821,553, G>A on the plus strand (C>T on the coding strand, the complement: APOA4 is on the minus strand). VCF-style: chr11-116821553-G-A. GRCh37 (hg19) VCF-style: chr11-116692269-G-A.
Other names: short protein forms R169W.
Identifiers: ClinVar variation 2969216 (VCV002969216.3), dbSNP rs142295954, ClinGen allele CA229305061.

ClinVar aggregate classification (germline): Uncertain significance (1 of 4 stars; one submission).

Allele frequency attached by ClinVar (database versions not stated): gnomAD exomes below 0.00001; gnomAD 0.00001; TOPMed 0.00002; ESP Exome Variant Server 0.00008.
gnomAD v4.1: 7 of 1,612,074 alleles (0.00043%); highest among the groups gnomAD compares: Admixed American, 0.0017%; no homozygotes.

Submission:

Labcorp Genetics (formerly Invitae), Labcorp
Classification: Uncertain significance. Last evaluated: 2023-11-17. Review status: criteria provided, single submitter. Criteria: Invitae Variant Classification Sherloc (09022015). Collection method: clinical testing. Allele origin: germline.
Comment: This sequence change replaces arginine, which is basic and polar, with tryptophan, which is neutral and slightly polar, at codon 169 of the APOA4 protein (p.Arg169Trp). This variant is present in population databases (rs142295954, gnomAD 0.007%). This variant has not been reported in the literature in individuals affected with APOA4-related conditions. Advanced modeling of protein sequence and biophysical properties (such as structural, functional, and spatial information, amino acid conservation, physicochemical variation, residue mobility, and thermodynamic stability) performed at Invitae indicates that this missense variant is expected to disrupt APOA4 protein function with a positive predictive value of 80%. In summary, the available evidence is currently insufficient to determine the role of this variant in disease. Therefore, it has been classified as a Variant of Uncertain Significance.